The following is an entry in ClinVar:

NM_000094.4(COL7A1):c.7927A>G (p.Lys2643Glu)

Gene: COL7A1 (collagen type VII alpha 1 chain; minus strand). Cytogenetic location: 3p21.31.
Variant type: single nucleotide variant.
Coding change: c.7927A>G on transcript NM_000094.4 (MANE Select); coding-DNA position 7927, A replaced by G.
Protein change: p.Lys2643Glu; replaces lysine 2643 with glutamic acid.
Molecular consequence: missense variant.
Genome position (GRCh38, 1-based): chr3:48,567,840, T>C on the plus strand (A>G on the coding strand, the complement: COL7A1 is on the minus strand). VCF-style: chr3-48567840-T-C. GRCh37 (hg19) VCF-style: chr3-48605273-T-C.
Other names: short protein forms K2643E.
Identifiers: ClinVar variation 4711153 (VCV004711153.1).

ClinVar aggregate classification (germline): Uncertain significance (1 of 4 stars; one submission).

gnomAD v4.1: 20 of 1,613,980 alleles (0.0012%); highest among the groups gnomAD compares: Non-Finnish European, 0.0015%; no homozygotes.

Submission:

Labcorp Genetics (formerly Invitae), Labcorp
Classification: Uncertain significance. Last evaluated: 2025-12-11. Review status: criteria provided, single submitter. Criteria: Invitae Variant Classification Sherloc (09022015). Collection method: clinical testing. Allele origin: germline.
Comment: This sequence change replaces lysine, which is basic and polar, with glutamic acid, which is acidic and polar, at codon 2643 of the COL7A1 protein (p.Lys2643Glu). This variant is present in population databases (rs758345759, gnomAD 0.004%). This variant has not been reported in the literature in individuals affected with COL7A1-related conditions. Invitae Evidence Modeling of protein sequence and biophysical properties (such as structural, functional, and spatial information, amino acid conservation, physicochemical variation, residue mobility, and thermodynamic stability) has been performed for this missense variant. However, the output from this modeling did not meet the statistical confidence thresholds required to predict the impact of this variant on COL7A1 protein function. In summary, the available evidence is currently insufficient to determine the role of this variant in disease. Therefore, it has been classified as a Variant of Uncertain Significance.